The following is an entry in ClinVar:

ClinVar aggregate classification (germline): Uncertain significance. Review status: criteria provided, multiple submitters, no conflicts (2 of 4 stars). 2 submissions from 2 submitters: Uncertain significance (2). Last evaluated 2022-08-16.

Conditions:
Kleefstra syndrome 1 (KLEFS1). Identifiers: Orphanet 261494, MedGen C0795833, MONDO:0027407, OMIM 610253.

Allele frequency attached by ClinVar (database versions not stated): gnomAD exomes below 0.00001.
gnomAD v4.1: 5 of 1,613,256 alleles (0.00031%); highest among the groups gnomAD compares: Non-Finnish European, 0.00042%; no homozygotes.

Submissions (2):

Labcorp Genetics (formerly Invitae), Labcorp
Classification: Uncertain significance for Kleefstra syndrome 1. Last evaluated: 2022-08-16. Review status: criteria provided, single submitter. Criteria: Invitae Variant Classification Sherloc (09022015). Collection method: clinical testing. Allele origin: germline.
Comment: In summary, the available evidence is currently insufficient to determine the role of this variant in disease. Therefore, it has been classified as a Variant of Uncertain Significance. Algorithms developed to predict the effect of missense changes on protein structure and function (SIFT, PolyPhen-2, Align-GVGD) all suggest that this variant is likely to be disruptive. ClinVar contains an entry for this variant (Variation ID: 1691003). This variant has not been reported in the literature in individuals affected with EHMT1-related conditions. This variant is not present in population databases (gnomAD no frequency). This sequence change replaces asparagine, which is neutral and polar, with serine, which is neutral and polar, at codon 1206 of the EHMT1 protein (p.Asn1206Ser).

Laboratorio de Genetica e Diagnostico Molecular, Hospital Israelita Albert Einstein
Classification: Uncertain significance. Last evaluated: 2021-02-23. Review status: criteria provided, single submitter. Criteria: ACMG Guidelines, 2015. Collection method: clinical testing. Allele origin: germline. Affected: yes.
Comment: ACMG classification criteria: PM2, PP3

NM_024757.5(EHMT1):c.3617A>G (p.Asn1206Ser)

Gene: EHMT1 (euchromatic histone lysine methyltransferase 1; plus strand). Cytogenetic location: 9q34.3.
Variant type: single nucleotide variant.
Coding change: c.3617A>G on transcript NM_024757.5 (MANE Select); coding-DNA position 3617, A replaced by G.
Protein change: p.Asn1206Ser; replaces asparagine 1206 with serine.
Molecular consequence: missense variant.
Genome position (GRCh38, 1-based): chr9:137,834,425, A>G. VCF-style: chr9-137834425-A-G. GRCh37 (hg19) VCF-style: chr9-140728877-A-G.
Other names: c.3596A>G, p.Asn1199Ser (NM_001354263.2); short protein forms N1199S, N1206S.
Identifiers: ClinVar variation 1691003 (VCV001691003.7), dbSNP rs2133152969, ClinGen allele CA375781566.